The following is an entry in ClinVar:

NM_001199397.3(NEK1):c.2974G>A (p.Glu992Lys)

Gene: NEK1 (NIMA related kinase 1; minus strand). Cytogenetic location: 4q33.
Variant type: single nucleotide variant.
Coding change: c.2974G>A on transcript NM_001199397.3 (MANE Select); coding-DNA position 2974, G replaced by A.
Protein change: p.Glu992Lys; replaces glutamic acid 992 with lysine.
Molecular consequence: missense variant. On other transcripts: non-coding transcript variant (1).
Genome position (GRCh38, 1-based): chr4:169,426,146, C>T on the plus strand (G>A on the coding strand, the complement: NEK1 is on the minus strand). VCF-style: chr4-169426146-C-T. GRCh37 (hg19) VCF-style: chr4-170347297-C-T.
Other names: c.2842G>A, p.Glu948Lys (NM_001199398.3); c.2683G>A, p.Glu895Lys (NM_001199399.3); c.2758G>A, p.Glu920Lys (NM_001199400.3); c.2974G>A, p.Glu992Lys (NM_001374418.1); c.2890G>A, p.Glu964Lys (NM_001374419.1, NM_012224.4); c.2839G>A, p.Glu947Lys (NM_001374420.1); c.2491G>A, p.Glu831Lys (NM_001374421.1); short protein forms E992K, E964K, E948K, E920K, E895K, E831K, E947K.
Identifiers: ClinVar variation 457135 (VCV000457135.10), dbSNP rs369134166, ClinGen allele CA3137274.
Genomic context (GRCh38, chr4:169,426,146, plus strand): 5'-TGATGTTAATAATCATTAACATCTTCCAGAAAGTAATTAGACTAATGCAATGATGCTTAC[C>T]TATATGAATGTCACTAAGTTGGTCCACAGTACTCGAGACTCCATCTTCAGAAACTTCATT-3'
Protein context (NP_001186326.1, residues 982-1002): TVDQLSDIHI[Glu992Lys]PGTNDSQHSK

ClinVar aggregate classification (germline): Uncertain significance (1 of 4 stars; one submission).

Conditions:
Short-rib thoracic dysplasia 6 with or without polydactyly (SRTD6). Also called: SHORT-RIB THORACIC DYSPLASIA 6 WITH POLYDACTYLY; SHORT-RIB THORACIC DYSPLASIA 6 WITHOUT POLYDACTYLY; SHORT RIB-POLYDACTYLY SYNDROME, TYPE IIA; POLYDACTYLY WITH NEONATAL CHONDRODYSTROPHY, TYPE II; Majewski Syndrome. Identifiers: MedGen C0024507, MONDO:0009894, OMIM 263520.

Allele frequency attached by ClinVar (database versions not stated): gnomAD exomes 0.00001 and 0.00006; ExAC 0.00004; ESP Exome Variant Server 0.00008; gnomAD 0.00016 and 0.00017; TOPMed 0.00020.
gnomAD v4.1: 48 of 1,609,584 alleles (0.003%); highest among the groups gnomAD compares: African/African-American, 0.051%; no homozygotes.

Submission:

Labcorp Genetics (formerly Invitae), Labcorp
Classification: Uncertain significance for Short-rib thoracic dysplasia 6 with or without polydactyly. Last evaluated: 2025-08-24. Review status: criteria provided, single submitter. Criteria: Invitae Variant Classification Sherloc (09022015). Collection method: clinical testing. Allele origin: germline.
Comment: This sequence change replaces glutamic acid, which is acidic and polar, with lysine, which is basic and polar, at codon 964 of the NEK1 protein (p.Glu964Lys). This variant also falls at the last nucleotide of exon 28, which is part of the consensus splice site for this exon. This variant is present in population databases (rs369134166, gnomAD 0.06%). This variant has not been reported in the literature in individuals affected with NEK1-related conditions. ClinVar contains an entry for this variant (Variation ID: 457135). An algorithm developed to predict the effect of missense changes on protein structure and function (PolyPhen-2) suggests that this variant is likely to be tolerated. Variants that disrupt the consensus splice site are a relatively common cause of aberrant splicing (PMID: 17576681, 9536098). In summary, the available evidence is currently insufficient to determine the role of this variant in disease. Therefore, it has been classified as a Variant of Uncertain Significance.

Literature cited by the submitters: PubMed 17576681; PubMed 9536098.